The following is an entry in ClinVar:

NM_001099922.3(ALG13):c.737C>T (p.Ala246Val)

Gene: ALG13 (ALG13 UDP-N-acetylglucosaminyltransferase subunit; plus strand). Cytogenetic location: Xq23.
Variant type: single nucleotide variant.
Coding change: c.737C>T on transcript NM_001099922.3 (MANE Select); coding-DNA position 737, C replaced by T.
Protein change: p.Ala246Val; replaces alanine 246 with valine.
Molecular consequence: missense variant. On other transcripts: non-coding transcript variant (1).
Genome position (GRCh38, 1-based): chrX:111,708,380, C>T. VCF-style: chrX-111708380-C-T. GRCh37 (hg19) VCF-style: chrX-110951608-C-T.
Other names: c.425C>T, p.Ala142Val (NM_001257230.2, NM_001257234.2, NM_001257237.2 and 1 more transcripts); c.503C>T, p.Ala168Val (NM_001257231.2); c.737C>T, p.Ala246Val (NM_001324292.2); short protein forms A168V, A142V, A246V.
Identifiers: ClinVar variation 3653485 (VCV003653485.2).

ClinVar aggregate classification (germline): Uncertain significance (1 of 4 stars; one submission).

Conditions:
Developmental and epileptic encephalopathy, 36 (DEE36). Also called: Epileptic encephalopathy, early infantile, 36; Congenital disorder of glycosylation, type Is; ALG13-CDG. Identifiers: Orphanet 324422, MedGen C4317295, MONDO:0010472, OMIM 300884.

Submission:

Labcorp Genetics (formerly Invitae), Labcorp
Classification: Uncertain significance for Developmental and epileptic encephalopathy, 36. Last evaluated: 2024-05-15. Review status: criteria provided, single submitter. Criteria: Invitae Variant Classification Sherloc (09022015). Collection method: clinical testing. Allele origin: germline.
Comment: This sequence change replaces alanine, which is neutral and non-polar, with valine, which is neutral and non-polar, at codon 246 of the ALG13 protein (p.Ala246Val). This variant is not present in population databases (gnomAD no frequency). This variant has not been reported in the literature in individuals affected with ALG13-related conditions. Advanced modeling of protein sequence and biophysical properties (such as structural, functional, and spatial information, amino acid conservation, physicochemical variation, residue mobility, and thermodynamic stability) performed at Invitae indicates that this missense variant is not expected to disrupt ALG13 protein function with a negative predictive value of 80%. In summary, the available evidence is currently insufficient to determine the role of this variant in disease. Therefore, it has been classified as a Variant of Uncertain Significance.